The following is an entry in ClinVar:

ClinVar aggregate classification (germline): Uncertain significance (1 of 4 stars; one submission).

Allele frequency attached by ClinVar (database versions not stated): TOPMed below 0.00001.

Submission:

Labcorp Genetics (formerly Invitae), Labcorp
Classification: Uncertain significance. Last evaluated: 2022-09-07. Review status: criteria provided, single submitter. Criteria: Invitae Variant Classification Sherloc (09022015). Collection method: clinical testing. Allele origin: germline.
Comment: Advanced modeling of protein sequence and biophysical properties (such as structural, functional, and spatial information, amino acid conservation, physicochemical variation, residue mobility, and thermodynamic stability) performed at Invitae indicates that this missense variant is not expected to disrupt BEST1 protein function. In summary, the available evidence is currently insufficient to determine the role of this variant in disease. Therefore, it has been classified as a Variant of Uncertain Significance. This variant has not been reported in the literature in individuals affected with BEST1-related conditions. This variant is not present in population databases (gnomAD no frequency). This sequence change replaces arginine, which is basic and polar, with lysine, which is basic and polar, at codon 405 of the BEST1 protein (p.Arg405Lys).

NM_004183.4(BEST1):c.1214G>A (p.Arg405Lys)

Gene: BEST1 (bestrophin 1; plus strand). Cytogenetic location: 11q12.3.
Variant type: single nucleotide variant.
Coding change: c.1214G>A on transcript NM_004183.4 (MANE Select); coding-DNA position 1214, G replaced by A.
Protein change: p.Arg405Lys; replaces arginine 405 with lysine.
Molecular consequence: missense variant. On other transcripts: non-coding transcript variant (1).
Genome position (GRCh38, 1-based): chr11:61,962,368, G>A. VCF-style: chr11-61962368-G-A. GRCh37 (hg19) VCF-style: chr11-61729840-G-A.
Other names: c.1034G>A, p.Arg345Lys (NM_001139443.3, NM_001300787.2); c.953G>A, p.Arg318Lys (NM_001300786.2); c.896G>A, p.Arg299Lys (NM_001363591.3); c.*109G>A (NM_001363592.2); c.242G>A, p.Arg81Lys (NM_001363593.3); short protein forms R318K, R405K, R299K, R81K, R345K.
Identifiers: ClinVar variation 2131377 (VCV002131377.4), dbSNP rs753276852, ClinGen allele CA380847724.